The following is an entry in ClinVar:

ClinVar aggregate classification (germline): Uncertain significance (1 of 4 stars; one submission).

Allele frequency attached by ClinVar (database versions not stated): gnomAD 0.00001.
gnomAD v4.1: 1 of 1,614,092 alleles (0.000062%); highest among the groups gnomAD compares: African/African-American, 0.0013%; no homozygotes.

Submission:

Labcorp Genetics (formerly Invitae), Labcorp
Classification: Uncertain significance. Last evaluated: 2022-03-20. Review status: criteria provided, single submitter. Criteria: Invitae Variant Classification Sherloc (09022015). Collection method: clinical testing. Allele origin: germline.
Comment: This variant is present in population databases (no rsID available, gnomAD 0.01%). In summary, the available evidence is currently insufficient to determine the role of this variant in disease. Therefore, it has been classified as a Variant of Uncertain Significance. Advanced modeling of protein sequence and biophysical properties (such as structural, functional, and spatial information, amino acid conservation, physicochemical variation, residue mobility, and thermodynamic stability) performed at Invitae indicates that this missense variant is expected to disrupt TPP1 protein function. This variant has not been reported in the literature in individuals affected with TPP1-related conditions. This sequence change replaces proline, which is neutral and non-polar, with alanine, which is neutral and non-polar, at codon 467 of the TPP1 protein (p.Pro467Ala).

NM_000391.4(TPP1):c.1399C>G (p.Pro467Ala)

Gene: TPP1 (tripeptidyl peptidase 1; minus strand). Cytogenetic location: 11p15.4.
Variant type: single nucleotide variant.
Coding change: c.1399C>G on transcript NM_000391.4 (MANE Select); coding-DNA position 1399, C replaced by G.
Protein change: p.Pro467Ala; replaces proline 467 with alanine.
Molecular consequence: missense variant.
Genome position (GRCh38, 1-based): chr11:6,615,197, G>C on the plus strand (C>G on the coding strand, the complement: TPP1 is on the minus strand). VCF-style: chr11-6615197-G-C. GRCh37 (hg19) VCF-style: chr11-6636428-G-C.
Other names: short protein forms P467A.
Identifiers: ClinVar variation 2178096 (VCV002178096.4), dbSNP rs1463818673, ClinGen allele CA379472560.